The following is an entry in ClinVar:

NM_001083962.2(TCF4):c.329C>T (p.Ser110Leu)

Gene: TCF4 (transcription factor 4; minus strand). Cytogenetic location: 18q21.2.
Variant type: single nucleotide variant.
Coding change: c.329C>T on transcript NM_001083962.2 (MANE Select); coding-DNA position 329, C replaced by T.
Protein change: p.Ser110Leu; replaces serine 110 with leucine.
Molecular consequence: missense variant. On other transcripts: 5 prime UTR variant (3).
Genome position (GRCh38, 1-based): chr18:55,403,494, G>A on the plus strand (C>T on the coding strand, the complement: TCF4 is on the minus strand). VCF-style: chr18-55403494-G-A. GRCh37 (hg19) VCF-style: chr18-53070725-G-A.
Other names: c.119C>T, p.Ser40Leu (NM_001243232.1, NM_001306208.1); c.-62C>T (NM_001243233.2, NM_001348213.2); c.257C>T, p.Ser86Leu (NM_001306207.1, NM_001348217.1, NM_001348218.2 and 15 more transcripts); c.329C>T, p.Ser110Leu (NM_001330604.3, NM_001243228.2, NM_001369567.1 and 8 more transcripts); c.203C>T, p.Ser68Leu (NM_001348211.2, NM_001243231.2); c.-59C>T (NM_001348212.2); c.635C>T, p.Ser212Leu (NM_001243226.3); c.323C>T, p.Ser108Leu (NM_001243230.2); short protein forms S108L, S110L, S68L, S40L, S212L, S86L.
Identifiers: ClinVar variation 2046698 (VCV002046698.4), dbSNP rs1230192802, ClinGen allele CA402702881.

ClinVar aggregate classification (germline): Likely pathogenic (1 of 4 stars; one submission).

Conditions:
Pitt-Hopkins syndrome (PTHS). Also called: MENTAL RETARDATION, SYNDROMAL, WITH INTERMITTENT HYPERVENTILATION; ENCEPHALOPATHY, SEVERE EPILEPTIC, WITH AUTONOMIC DYSFUNCTION. Identifiers: Orphanet 2896, MedGen C1970431, MONDO:0012589, OMIM 610954.

Allele frequency attached by ClinVar (database versions not stated): gnomAD exomes below 0.00001; TOPMed below 0.00001.
gnomAD v4.1: 3 of 1,613,788 alleles (0.00019%); highest among the groups gnomAD compares: Admixed American, 0.0033%; no homozygotes.

Submission:

Labcorp Genetics (formerly Invitae), Labcorp
Classification: Likely pathogenic for Pitt-Hopkins syndrome. Last evaluated: 2024-05-20. Review status: criteria provided, single submitter. Criteria: Invitae Variant Classification Sherloc (09022015). Collection method: clinical testing. Allele origin: germline.
Comment: This sequence change replaces serine, which is neutral and polar, with leucine, which is neutral and non-polar, at codon 110 of the TCF4 protein (p.Ser110Leu). This variant is present in population databases (no rsID available, gnomAD 0.006%). This missense change has been observed in individual(s) with clinical features of Pitt-Hopkins syndrome (PMID: 23020937). In at least one individual the variant was observed to be de novo. ClinVar contains an entry for this variant (Variation ID: 2046698). Advanced modeling of protein sequence and biophysical properties (such as structural, functional, and spatial information, amino acid conservation, physicochemical variation, residue mobility, and thermodynamic stability) performed at Invitae indicates that this missense variant is not expected to disrupt TCF4 protein function with a negative predictive value of 95%. In summary, the currently available evidence indicates that the variant is pathogenic, but additional data are needed to prove that conclusively. Therefore, this variant has been classified as Likely Pathogenic.

Literature cited by the submitters: PubMed 23020937.